The following is an entry in ClinVar:

ClinVar aggregate classification (germline): Likely benign. Review status: criteria provided, multiple submitters, no conflicts (2 of 4 stars). 3 submissions from 3 submitters: Likely benign (3). Last evaluated 2024-06-17.

Conditions:
Hereditary cancer-predisposing syndrome. Also called: Hereditary Cancer Syndrome; Neoplastic Syndromes, Hereditary; Tumor predisposition; Hereditary neoplastic syndrome. Identifiers: Orphanet 140162, MedGen C0027672, MeSH D009386, MONDO:0015356.
Tuberous sclerosis 2 (TSC2). Identifiers: Orphanet 805, MedGen C1860707, MONDO:0013199, OMIM 613254.
Tuberous sclerosis syndrome (TSC). Also called: Tuberous sclerosis; Tuberous Sclerosis Complex. Identifiers: Orphanet 805, MedGen C0041341, MONDO:0001734.

Submissions (3):

All of Us Research Program, National Institutes of Health
Classification: Likely benign for Tuberous sclerosis syndrome. Last evaluated: 2024-06-17. Review status: criteria provided, single submitter. Criteria: ACMG Guidelines, 2015. Collection method: clinical testing. Allele origin: germline. Inheritance: Autosomal dominant inheritance. Observed: 1 variant allele, 1 heterozygote.
Comment: This study involves interpretation of variants in research participants for the purpose of population health screening. Participant phenotype was not available at the time of variant classification. Additional details can be found in publication PMID: 35346344, PMCID: PMC8962531

Labcorp Genetics (formerly Invitae), Labcorp
Classification: Likely benign for Tuberous sclerosis 2. Last evaluated: 2024-03-09. Review status: criteria provided, single submitter. Criteria: Invitae Variant Classification Sherloc (09022015). Collection method: clinical testing. Allele origin: germline.

Ambry Genetics
Classification: Likely benign for Hereditary cancer-predisposing syndrome. Last evaluated: 2015-01-12. Review status: criteria provided, single submitter. Criteria: Ambry Variant Classification Scheme 2023. Collection method: clinical testing. Allele origin: germline.

NM_000548.5(TSC2):c.2313A>G (p.Thr771=)

Gene: TSC2 (TSC complex subunit 2; plus strand). Cytogenetic location: 16p13.3.
Variant type: single nucleotide variant.
Coding change: c.2313A>G on transcript NM_000548.5 (MANE Select); coding-DNA position 2313, A replaced by G.
Protein change: p.Thr771=; no amino-acid change (threonine 771 retained).
Molecular consequence: synonymous variant.
Genome position (GRCh38, 1-based): chr16:2,072,941, A>G. VCF-style: chr16-2072941-A-G. GRCh37 (hg19) VCF-style: chr16-2122942-A-G.
Other names: c.2313A>G, p.Thr771= (NM_001077183.3, NM_001114382.3, NM_001363528.2 and 3 more transcripts); c.2202A>G, p.Thr734= (NM_001318827.2); c.2166A>G, p.Thr722= (NM_001318829.2); c.1713A>G, p.Thr571= (NM_001318831.2); c.2346A>G, p.Thr782= (NM_001318832.2).
Identifiers: ClinVar variation 229817 (VCV000229817.8), dbSNP rs876658215, ClinGen allele CA10579884.